The following is an entry in ClinVar:

NM_014956.5(CEP164):c.2020C>T (p.Arg674Ter)

Gene: CEP164 (centrosomal protein 164; plus strand). Cytogenetic location: 11q23.3.
Variant type: single nucleotide variant.
Coding change: c.2020C>T on transcript NM_014956.5 (MANE Select); coding-DNA position 2020, C replaced by T.
Protein change: p.Arg674Ter; replaces arginine 674 with a stop codon.
Molecular consequence: nonsense.
Genome position (GRCh38, 1-based): chr11:117,390,862, C>T. VCF-style: chr11-117390862-C-T. GRCh37 (hg19) VCF-style: chr11-117261578-C-T.
Other names: c.2029C>T, p.Arg677Ter (NM_001271933.2); short protein forms R674*, R677*.
Identifiers: ClinVar variation 962671 (VCV000962671.10), dbSNP rs963142616, ClinGen allele CA229357242.

ClinVar aggregate classification (germline): Pathogenic/Likely pathogenic. Review status: criteria provided, multiple submitters, no conflicts (2 of 4 stars). 3 submissions from 3 submitters: Pathogenic (1); Likely pathogenic (2). Last evaluated 2026-09-22.

Conditions:
CEP164-related disorder. Also called: CEP164-related condition.
Nephronophthisis 15 (NPHP15). Identifiers: Orphanet 3156, MedGen C3541853, MONDO:0013917, OMIM 614845.

Allele frequency attached by ClinVar (database versions not stated): gnomAD exomes 0.00001; TOPMed 0.00001; gnomAD 0.00002.
gnomAD v4.1: 9 of 1,613,642 alleles (0.00056%); highest among the groups gnomAD compares: African/African-American, 0.0027%; no homozygotes.

Submissions (3):

PreventionGenetics, part of Exact Sciences
Classification: Likely pathogenic for CEP164-related condition. Last evaluated: 2026-09-22. Review status: criteria provided, single submitter. Criteria: ACMG Guidelines, 2015. Collection method: clinical testing. Allele origin: germline.
Comment: The CEP164 c.2020C>T variant is predicted to result in premature protein termination (p.Arg674*). To our knowledge, this variant has not been reported in the literature. This variant is reported in 0.012% of alleles in individuals of African descent in gnomAD. Nonsense variants in CEP164 are expected to be pathogenic. This variant is interpreted as likely pathogenic.

Blueprint Genetics
Classification: Likely pathogenic for CEP164-related disorders. Last evaluated: 2024-09-02. Review status: criteria provided, single submitter. Criteria: ACMG Guidelines, 2015. Collection method: clinical testing. Allele origin: germline. Affected: yes. Observed: 1 variant allele.

Labcorp Genetics (formerly Invitae), Labcorp
Classification: Pathogenic for Nephronophthisis 15. Last evaluated: 2021-12-21. Review status: criteria provided, single submitter. Criteria: Invitae Variant Classification Sherloc (09022015). Collection method: clinical testing. Allele origin: germline.
Comment: This variant is present in population databases (no rsID available, gnomAD 0.01%). For these reasons, this variant has been classified as Pathogenic. ClinVar contains an entry for this variant (Variation ID: 962671). This variant has not been reported in the literature in individuals affected with CEP164-related conditions. This sequence change creates a premature translational stop signal (p.Arg674*) in the CEP164 gene. It is expected to result in an absent or disrupted protein product. Loss-of-function variants in CEP164 are known to be pathogenic (PMID: 22863007, 28125082, 32367404, 34132027, 34499853).

Literature cited by the submitters: PubMed 22863007 (cited by Labcorp Genetics (formerly Invitae), Labcorp); PubMed 28125082 (cited by Labcorp Genetics (formerly Invitae), Labcorp); PubMed 32367404 (cited by Labcorp Genetics (formerly Invitae), Labcorp); PubMed 34132027 (cited by Labcorp Genetics (formerly Invitae), Labcorp); PubMed 34499853 (cited by Labcorp Genetics (formerly Invitae), Labcorp).